The following is an entry in ClinVar:

ClinVar aggregate classification (germline): Uncertain significance (1 of 4 stars; one submission).

Conditions:
Cardiovascular phenotype. Identifiers: MedGen CN230736.

Submission:

Ambry Genetics
Classification: Uncertain significance for Cardiovascular phenotype. Last evaluated: 2019-10-07. Review status: criteria provided, single submitter. Criteria: Ambry Variant Classification Scheme 2023. Collection method: clinical testing. Allele origin: germline.
Comment: The p.K23857N variant (also known as c.71571A>C), located in coding exon 180 of the TTN gene, results from an A to C substitution at nucleotide position 71571. The lysine at codon 23857 is replaced by asparagine, an amino acid with similar properties. This amino acid position is well conserved in available vertebrate species. In addition, this alteration is predicted to be tolerated by in silico analysis. Since supporting evidence is limited at this time, the clinical significance of this alteration remains unclear.

NM_001267550.2(TTN):c.98766A>C (p.Lys32922Asn)

Genes: TTN (titin; minus strand), TTN-AS1 (TTN antisense RNA 1; plus strand). Cytogenetic location: 2q31.2.
Variant type: single nucleotide variant.
Coding change: c.98766A>C on transcript NM_001267550.2 (MANE Select); coding-DNA position 98766, A replaced by C.
Protein change: p.Lys32922Asn; replaces lysine 32922 with asparagine.
Molecular consequence: missense variant. On other transcripts: non-coding transcript variant (1).
Genome position (GRCh38, 1-based): chr2:178,539,169, T>G on the plus strand (A>C on the coding strand, the complement: TTN is on the minus strand). VCF-style: chr2-178539169-T-G. GRCh37 (hg19) VCF-style: chr2-179403896-T-G.
Other names: c.93843A>C, p.Lys31281Asn (NM_001256850.1); c.71571A>C, p.Lys23857Asn (NM_003319.4); c.91062A>C, p.Lys30354Asn (NM_133378.4); c.71946A>C, p.Lys23982Asn (NM_133432.3); c.72147A>C, p.Lys24049Asn (NM_133437.4); short protein forms K23857N, K31281N, K24049N, K30354N, K23982N, K32922N.
Identifiers: ClinVar variation 1757415 (VCV001757415.2), dbSNP rs2468752575, ClinGen allele CA349431682.